The following is an entry in ClinVar:

ClinVar aggregate classification (germline): Pathogenic (1 of 4 stars; one submission).

Submission:

Labcorp Genetics (formerly Invitae), Labcorp
Classification: Pathogenic. Last evaluated: 2022-03-03. Review status: criteria provided, single submitter. Criteria: Invitae Variant Classification Sherloc (09022015). Collection method: clinical testing. Allele origin: germline.
Comment: This sequence change replaces glycine, which is neutral and non-polar, with serine, which is neutral and polar, at codon 545 of the COL4A5 protein (p.Gly545Ser). This variant is not present in population databases (gnomAD no frequency). ClinVar contains an entry for this variant (Variation ID: 1073886). This variant has not been reported in the literature in individuals affected with COL4A5-related conditions. Algorithms developed to predict the effect of sequence changes on RNA splicing suggest that this variant may create or strengthen a splice site. For these reasons, this variant has been classified as Pathogenic. This variant disrupts the p.Gly545 amino acid residue in COL4A5. Other variant(s) that disrupt this residue have been observed in individuals with COL4A5-related conditions (PMID: 10094548, 30295827), which suggests that this may be a clinically significant amino acid residue. This variant disrupts the triple helix domain of COL4A5. Glycine residues within the Gly-Xaa-Yaa repeats of the triple helix domain are required for the structure and stability of fibrillar collagens (PMID: 7695699, 8218237, 19344236). In COL4A5, missense variants at these glycine residues are significantly enriched in individuals with disease (PMID: 23720012, 27627812) compared to the general population (ExAC). Advanced modeling of protein sequence and biophysical properties (such as structural, functional, and spatial information, amino acid conservation, physicochemical variation, residue mobility, and thermodynamic stability) performed at Invitae indicates that this missense variant is expected to disrupt COL4A5 protein function.

Literature cited by the submitters: PubMed 10094548; PubMed 30295827; PubMed 7695699; PubMed 8218237; PubMed 19344236; PubMed 23720012; PubMed 27627812.

NM_033380.3(COL4A5):c.1633G>A (p.Gly545Ser)

Gene: COL4A5 (collagen type IV alpha 5 chain; plus strand). Cytogenetic location: Xq22.3.
Variant type: single nucleotide variant.
Coding change: c.1633G>A on transcript NM_033380.3 (MANE Select); coding-DNA position 1633, G replaced by A.
Protein change: p.Gly545Ser; replaces glycine 545 with serine.
Molecular consequence: missense variant.
Genome position (GRCh38, 1-based): chrX:108,597,422, G>A. VCF-style: chrX-108597422-G-A. GRCh37 (hg19) VCF-style: chrX-107840652-G-A.
Other names: c.1633G>A, p.Gly545Ser (NM_000495.5); short protein forms G545S.
Identifiers: ClinVar variation 1073886 (VCV001073886.9), dbSNP rs104886126, ClinGen allele CA413845287.